The following is an entry in ClinVar:

ClinVar aggregate classification (germline): Pathogenic (1 of 4 stars; one submission).

Conditions:
Arrhythmogenic cardiomyopathy with wooly hair and keratoderma. Also called: Dilated cardiomyopathy with woolly hair and keratoderma; PALMOPLANTAR KERATODERMA WITH LEFT VENTRICULAR CARDIOMYOPATHY AND WOOLLY HAIR; Carvajal syndrome; Arrhythmogenic cardiomyopathy with woolly hair and keratoderma. Identifiers: Orphanet 65282, MedGen C1854063, MONDO:0011581, OMIM 605676.
Arrhythmogenic right ventricular dysplasia 8 (ARVD8). Also called: Arrhythmogenic Right Ventricular Dysplasia/Cardiomyopathy 8; ARRHYTHMOGENIC RIGHT VENTRICULAR DYSPLASIA, FAMILIAL, 8; ARRHYTHMOGENIC RIGHT VENTRICULAR CARDIOMYOPATHY 8. Identifiers: MedGen C1843896, MONDO:0011831, OMIM 607450.

Submission:

Labcorp Genetics (formerly Invitae), Labcorp
Classification: Pathogenic for Arrhythmogenic cardiomyopathy with wooly hair and keratoderma; Arrhythmogenic right ventricular dysplasia 8. Last evaluated: 2023-03-03. Review status: criteria provided, single submitter. Criteria: Invitae Variant Classification Sherloc (09022015). Collection method: clinical testing. Allele origin: germline.
Comment: For these reasons, this variant has been classified as Pathogenic. This variant has not been reported in the literature in individuals affected with DSP-related conditions. This variant is not present in population databases (gnomAD no frequency). This sequence change creates a premature translational stop signal (p.Arg1464Lysfs*3) in the DSP gene. It is expected to result in an absent or disrupted protein product. Loss-of-function variants in DSP are known to be pathogenic (PMID: 20716751, 24503780, 25227139).

Literature cited by the submitters: PubMed 20716751; PubMed 24503780; PubMed 25227139.

NM_004415.4(DSP):c.4388dup (p.Arg1464fs)

Gene: DSP (desmoplakin; plus strand). Cytogenetic location: 6p24.3.
Variant type: Duplication.
Coding change: c.4388dup on transcript NM_004415.4 (MANE Select); coding-DNA position 4388, one base duplicated (T; older notation c.4388dupT).
Protein change: p.Arg1464fs; shifts the reading frame from arginine 1464.
Molecular consequence: frameshift variant. On other transcripts: intron variant (2).
Genome position (GRCh38, 1-based): chr6:7,580,578, T duplicated. VCF-style (leftmost placement, unchanged base first): chr6-7580577-G-GT. GRCh37 (hg19) VCF-style: chr6-7580810-G-GT.
Other names: c.4050+338dup (NM_001319034.2); c.3582+806dup (NM_001008844.3); short protein forms R1464fs.
Identifiers: ClinVar variation 2944912 (VCV002944912.3), dbSNP rs2533928484, ClinGen allele CA2740090881.
Genomic context (GRCh38, chr6:7,580,577, plus strand): 5'-AGGAAACAGCAGCTGGAGGTTGAGCTGAGACAAGTCACTCAGATGCGAACAGAGGAGAGC[G>GT]TAAGATATAAGCAATCTCTTGATGATGCTGCCAAAACCATCCAGGATAAAAACAAGGAGA-3'